The following is an entry in ClinVar:

NM_001286.5(CLCN6):c.2411C>G (p.Thr804Ser)

Gene: CLCN6 (chloride voltage-gated channel 6; plus strand). Cytogenetic location: 1p36.22.
Variant type: single nucleotide variant.
Coding change: c.2411C>G on transcript NM_001286.5 (MANE Select); coding-DNA position 2411, C replaced by G.
Protein change: p.Thr804Ser; replaces threonine 804 with serine.
Molecular consequence: missense variant. On other transcripts: non-coding transcript variant (1).
Genome position (GRCh38, 1-based): chr1:11,838,542, C>G. VCF-style: chr1-11838542-C-G. GRCh37 (hg19) VCF-style: chr1-11898599-C-G.
Other names: c.2345C>G, p.Thr782Ser (NM_001256959.2); short protein forms T804S, T782S.
Identifiers: ClinVar variation 1409478 (VCV001409478.6), dbSNP rs757618672, ClinGen allele CA338443365.
Genomic context (GRCh38, chr1:11,838,542, plus strand): 5'-CTCTTCATGCCGTTGGCGTCTCAGGCAGTCAGTGACACGTGGTCTCTTTGCAGGATGTCA[C>G]CCCATACATGAACCCTTCGCCTTTCACCGTCTCGCCCAACACCCACGTCTCCCAAGTCTT-3'
Protein context (NP_001277.2, residues 794-814): LLNPRMIVDV[Thr804Ser]PYMNPSPFTV

ClinVar aggregate classification (germline): Uncertain significance (1 of 4 stars; one submission).

Submission:

Labcorp Genetics (formerly Invitae), Labcorp
Classification: Uncertain significance. Last evaluated: 2022-07-05. Review status: criteria provided, single submitter. Criteria: Invitae Variant Classification Sherloc (09022015). Collection method: clinical testing. Allele origin: germline.
Comment: This sequence change replaces threonine, which is neutral and polar, with serine, which is neutral and polar, at codon 804 of the CLCN6 protein (p.Thr804Ser). This variant is not present in population databases (gnomAD no frequency). This variant has not been reported in the literature in individuals affected with CLCN6-related conditions. ClinVar contains an entry for this variant (Variation ID: 1409478). Algorithms developed to predict the effect of missense changes on protein structure and function are either unavailable or do not agree on the potential impact of this missense change (SIFT: "Deleterious"; PolyPhen-2: "Benign"; Align-GVGD: "Class C0"). In summary, the available evidence is currently insufficient to determine the role of this variant in disease. Therefore, it has been classified as a Variant of Uncertain Significance.